The following is an entry in ClinVar:

NM_000264.5(PTCH1):c.898G>T (p.Ala300Ser)

Gene: PTCH1 (patched 1; minus strand). Cytogenetic location: 9q22.32.
Variant type: single nucleotide variant.
Coding change: c.898G>T on transcript NM_000264.5 (MANE Select); coding-DNA position 898, G replaced by T.
Protein change: p.Ala300Ser; replaces alanine 300 with serine.
Molecular consequence: missense variant. On other transcripts: non-coding transcript variant (1).
Genome position (GRCh38, 1-based): chr9:95,480,437, C>A on the plus strand (G>T on the coding strand, the complement: PTCH1 is on the minus strand). VCF-style: chr9-95480437-C-A. GRCh37 (hg19) VCF-style: chr9-98242719-C-A.
Other names: c.700G>T, p.Ala234Ser (NM_001083602.3); c.895G>T, p.Ala299Ser (NM_001083603.3); c.445G>T, p.Ala149Ser (NM_001083604.3, NM_001083605.3, NM_001083606.3 and 1 more transcripts); c.898G>T, p.Ala300Ser (NM_001354918.2); short protein forms A149S, A299S, A300S, A234S.
Identifiers: ClinVar variation 1904368 (VCV001904368.6), dbSNP rs2118415735, ClinGen allele CA374113809.

ClinVar aggregate classification (germline): Uncertain significance. Review status: criteria provided, multiple submitters, no conflicts (2 of 4 stars). 2 submissions from 2 submitters: Uncertain significance (2). Last evaluated 2025-10-02.

Conditions:
Hereditary cancer-predisposing syndrome. Also called: Tumor predisposition; Neoplastic Syndromes, Hereditary; Hereditary neoplastic syndrome; Hereditary Cancer Syndrome. Identifiers: Orphanet 140162, MedGen C0027672, MeSH D009386, MONDO:0015356.
Gorlin syndrome. Also called: Nevoid Basal Cell Carcinoma Syndrome; Basal cell nevus syndrome. Identifiers: Orphanet 377, MedGen C0004779, MONDO:0007187.

gnomAD v4.1: 1 of 1,611,314 alleles (0.000062%); highest among the groups gnomAD compares: Non-Finnish European, 0.000085%; no homozygotes.

Submissions (2):

Labcorp Genetics (formerly Invitae), Labcorp
Classification: Uncertain significance for Gorlin syndrome. Last evaluated: 2025-10-02. Review status: criteria provided, single submitter. Criteria: Invitae Variant Classification Sherloc (09022015). Collection method: clinical testing. Allele origin: germline.
Comment: This sequence change replaces alanine, which is neutral and non-polar, with serine, which is neutral and polar, at codon 300 of the PTCH1 protein (p.Ala300Ser). This variant is not present in population databases (gnomAD no frequency). This variant has not been reported in the literature in individuals affected with PTCH1-related conditions. ClinVar contains an entry for this variant (Variation ID: 1904368). Invitae Evidence Modeling of protein sequence and biophysical properties (such as structural, functional, and spatial information, amino acid conservation, physicochemical variation, residue mobility, and thermodynamic stability) indicates that this missense variant is not expected to disrupt PTCH1 protein function with a negative predictive value of 95%. In summary, the available evidence is currently insufficient to determine the role of this variant in disease. Therefore, it has been classified as a Variant of Uncertain Significance.

Ambry Genetics
Classification: Uncertain significance for Hereditary cancer-predisposing syndrome. Last evaluated: 2024-04-05. Review status: criteria provided, single submitter. Criteria: Ambry Variant Classification Scheme 2023. Collection method: clinical testing. Allele origin: germline.
Comment: The p.A300S variant (also known as c.898G>T), located in coding exon 6 of the PTCH1 gene, results from a G to T substitution at nucleotide position 898. The alanine at codon 300 is replaced by serine, an amino acid with similar properties. This amino acid position is conserved. In addition, this alteration is predicted to be tolerated by in silico analysis. Based on the available evidence, the clinical significance of this variant remains unclear.